The following is an entry in ClinVar:

ClinVar aggregate classification (germline): Uncertain significance (1 of 4 stars; one submission).

gnomAD v4.1: 1 of 1,154,074 alleles (0.000087%); highest among the groups gnomAD compares: Non-Finnish European, 0.00011%; no homozygotes.

Submission:

GeneDx
Classification: Uncertain significance. Last evaluated: 2026-02-20. Review status: criteria provided, single submitter. Criteria: GeneDx Variant Classification Process June 2021. Collection method: clinical testing. Allele origin: germline.
Comment: Not observed at significant frequency in large population cohorts (gnomAD); In silico analysis suggests that this missense variant does not alter protein structure/function; Has not been previously published as pathogenic or benign to our knowledge.

NM_030923.5(TMEM163):c.184G>C (p.Asp62His)

Gene: TMEM163 (transmembrane protein 163; minus strand). Cytogenetic location: 2q21.3.
Variant type: single nucleotide variant.
Coding change: c.184G>C on transcript NM_030923.5 (MANE Select); coding-DNA position 184, G replaced by C.
Protein change: p.Asp62His; replaces aspartic acid 62 with histidine.
Molecular consequence: missense variant.
Genome position (GRCh38, 1-based): chr2:134,718,752, C>G on the plus strand (G>C on the coding strand, the complement: TMEM163 is on the minus strand). VCF-style: chr2-134718752-C-G. GRCh37 (hg19) VCF-style: chr2-135476322-C-G.
Other names: short protein forms D62H.
Identifiers: ClinVar variation 5009650 (VCV005009650.1).
Genomic context (GRCh38, chr2:134,718,752, plus strand): 5'-AGCCACCCCGGTCGCCGGCCGGGTCGGGCAGCTCGCGCTCACCTCGGTCCTCCAGCCCGT[C>G]GCTGAACTGGCCGCTCTCGCTGATCCGCACCTGCCGCTCCTCCTCCAGCTGGGGCGGCTC-3'
Protein context (NP_112185.1, residues 52-72): VRISESGQFS[Asp62His]GLEDRGLLES